The following is an entry in ClinVar:

NM_000843.4(GRM6):c.575G>A (p.Arg192Gln)

Gene: GRM6 (glutamate metabotropic receptor 6; minus strand). Cytogenetic location: 5q35.3.
Variant type: single nucleotide variant.
Coding change: c.575G>A on transcript NM_000843.4 (MANE Select); coding-DNA position 575, G replaced by A.
Protein change: p.Arg192Gln; replaces arginine 192 with glutamine.
Molecular consequence: missense variant.
Genome position (GRCh38, 1-based): chr5:178,992,013, C>T on the plus strand (G>A on the coding strand, the complement: GRM6 is on the minus strand). VCF-style: chr5-178992013-C-T. GRCh37 (hg19) VCF-style: chr5-178419014-C-T.
Other names: short protein forms R192Q.
Identifiers: ClinVar variation 1443702 (VCV001443702.9), dbSNP rs757057677, ClinGen allele CA3594487.
Genomic context (GRCh38, chr5:178,992,013, plus strand): 5'-CCCAGTGCCCTCACGATGTCCACCATGGCCTGCGCCTGGTAGGAGTCGGGTGGCACCACC[C>T]GGGAGAAGAAGTCATAGCGTGTGGAGTCGCTGAGCTCCGGGGCTGTGGAGGCATAGCTGA-3'
Protein context (NP_000834.2, residues 182-202): SDSTRYDFFS[Arg192Gln]VVPPDSYQAQ

ClinVar aggregate classification (germline): Conflicting classifications of pathogenicity. Review status: criteria provided, conflicting classifications (1 of 4 stars). 3 submissions from 3 submitters: Likely pathogenic (1); Uncertain significance (2). Last evaluated 2025-02-19.

Conditions:
Congenital stationary night blindness 1B. Also called: Night blindness, congenital stationary (complete), 1B, autosomal recessive; NIGHT BLINDNESS, CONGENITAL STATIONARY, COMPLETE, AUTOSOMAL RECESSIVE. Identifiers: Orphanet 215, MedGen C1850362, MONDO:0009758, OMIM 257270.

Allele frequency attached by ClinVar (database versions not stated): TOPMed 0.00003; gnomAD 0.00005; ExAC 0.00007; gnomAD exomes 0.00008.
gnomAD v4.1: 39 of 1,613,978 alleles (0.0024%); highest among the groups gnomAD compares: East Asian, 0.045%; no homozygotes.

Submissions (3):

Equipe Genetique des Anomalies du Developpement, Université de Bourgogne
Classification: Likely pathogenic for Congenital stationary night blindness 1B. Last evaluated: 2025-02-19. Review status: criteria provided, single submitter. Criteria: ACMG Guidelines, 2015. Collection method: clinical testing. Allele origin: maternal. Affected: yes.
Comment: This c.575G>A variant was found in the compound heterozygous state. It impacts a preserved amino acid and is localized in a functional domain (ANF receptor). In silico prediction scores are in favour of a deleterious effect. It is not reported in the homozygous state in gnomAD (v4.1.0) This variant is reported in ClinVar of uncertain significance and likely pathogenic in litterature (PMID: 31106028). Biallelic variants in the GRM6 gene are responsible for a form autosomal recessive night blindness, congenital stationary (complete), 1B (OMIM #257270). According to available evidence, this variant is considered to be likely pathogenic.

Blueprint Genetics
Classification: Uncertain significance. Last evaluated: 2024-04-18. Review status: criteria provided, single submitter. Criteria: ACMG Guidelines, 2015. Collection method: clinical testing. Allele origin: germline.

Labcorp Genetics (formerly Invitae), Labcorp
Classification: Uncertain significance. Last evaluated: 2024-01-18. Review status: criteria provided, single submitter. Criteria: Invitae Variant Classification Sherloc (09022015). Collection method: clinical testing. Allele origin: germline.
Comment: This sequence change replaces arginine, which is basic and polar, with glutamine, which is neutral and polar, at codon 192 of the GRM6 protein (p.Arg192Gln). This variant is present in population databases (rs757057677, gnomAD 0.1%). This missense change has been observed in individual(s) with inherited retinal disease (PMID: 31106028). ClinVar contains an entry for this variant (Variation ID: 1443702). Advanced modeling of protein sequence and biophysical properties (such as structural, functional, and spatial information, amino acid conservation, physicochemical variation, residue mobility, and thermodynamic stability) performed at Invitae indicates that this missense variant is not expected to disrupt GRM6 protein function with a negative predictive value of 80%. Algorithms developed to predict the effect of sequence changes on RNA splicing suggest that this variant may create or strengthen a splice site. In summary, the available evidence is currently insufficient to determine the role of this variant in disease. Therefore, it has been classified as a Variant of Uncertain Significance.

Literature cited by the submitters: PubMed 31106028 (cited by Equipe Genetique des Anomalies du Developpement, Université de Bourgogne and Labcorp Genetics (formerly Invitae), Labcorp).